The following is an entry in ClinVar:

ClinVar aggregate classification (germline): Likely benign. Review status: criteria provided, multiple submitters, no conflicts (2 of 4 stars). 4 submissions from 4 submitters: Likely benign (3). 1 of the submissions does not count toward it. Last evaluated 2026-04-01.

Conditions:
LIPE-related disorder. Also called: LIPE-related condition.

Allele frequency attached by ClinVar (database versions not stated): 1000 Genomes Project 30x 0.00109; 1000 Genomes Project 0.00140; TOPMed 0.00281; gnomAD 0.00293 and 0.00299; gnomAD exomes 0.00297; ExAC 0.00311; ESP Exome Variant Server 0.00469.

Submissions (4):

CeGaT Center for Human Genetics Tuebingen
Classification: Likely benign. Last evaluated: 2026-04-01. Review status: criteria provided, single submitter. Criteria: CeGaT Center For Human Genetics Tuebingen Variant Classification Criteria Version 2. Collection method: clinical testing. Allele origin: germline. Affected: yes. Observed: 5 variant alleles.
Comment: LIPE: BP4, BS2

Blueprint Genetics
Classification: Likely benign. Last evaluated: 2024-11-25. Review status: criteria provided, single submitter. Criteria: ACMG Guidelines, 2015. Collection method: clinical testing. Allele origin: germline.

Labcorp Genetics (formerly Invitae), Labcorp
Classification: Likely benign. Last evaluated: 2019-12-31. Review status: criteria provided, single submitter. Criteria: Invitae Variant Classification Sherloc (09022015). Collection method: clinical testing. Allele origin: germline.

PreventionGenetics, part of Exact Sciences
Classification: Likely benign for LIPE-related condition. Last evaluated: 2020-05-21. Review status: no assertion criteria provided. Collection method: clinical testing. Allele origin: germline. Not counted in ClinVar's aggregate classification.
Comment: This variant is classified as likely benign based on ACMG/AMP sequence variant interpretation guidelines (Richards et al. 2015 PMID: 25741868, with internal and published modifications).

NM_005357.4(LIPE):c.581C>T (p.Ala194Val)

Genes: LIPE (lipase E, hormone sensitive type; minus strand), LIPE-AS1 (LIPE antisense RNA 1; plus strand). Cytogenetic location: 19q13.2.
Variant type: single nucleotide variant.
Coding change: c.581C>T on transcript NM_005357.4 (MANE Select); coding-DNA position 581, C replaced by T.
Protein change: p.Ala194Val; replaces alanine 194 with valine.
Molecular consequence: missense variant.
Genome position (GRCh38, 1-based): chr19:42,426,569, G>A on the plus strand (C>T on the coding strand, the complement: LIPE is on the minus strand). VCF-style: chr19-42426569-G-A. GRCh37 (hg19) VCF-style: chr19-42930721-G-A.
Other names: short protein forms A194V.
Identifiers: ClinVar variation 710784 (VCV000710784.30), dbSNP rs34996020, ClinGen allele CA9477313.
Genomic context (GRCh38, chr19:42,426,569, plus strand): 5'-GATAGTTCCTGAAGTTTTGTTAGAAATCCCAGCTCTGTCAAAGATCCCTGCTTGGATTTG[G>A]CTCCCTGGACTGGCGTTGTTTGCTTGTCTGACTGTTCAGGTGTCTCTTGGGACGTAGATT-3'
Protein context (NP_005348.2, residues 184-204): SDKQTTPVQG[Ala194Val]KSKQGSLTEL